The following is an entry in ClinVar:

ClinVar aggregate classification (germline): Likely benign (1 of 4 stars; one submission).

Submission:

Women's Health and Genetics/Laboratory Corporation of America, LabCorp
Classification: Likely benign. Last evaluated: 2026-02-17. Review status: criteria provided, single submitter. Criteria: LabCorp Variant Classification Summary - May 2015. Collection method: clinical testing. Allele origin: germline.
Comment: Variant summary: ATP7B c.4022-3dupC occurs in a polyC tract extending from c.4022-6_4022-3 and alters a nucleotide located at a position not widely known to affect splicing. Consensus agreement among computation tools predict no significant impact on normal splicing. However, these predictions have yet to be confirmed by functional studies. The variant was absent in 236608 control chromosomes. The available data on variant occurrences in the general population are insufficient to allow any conclusion about variant significance. To our knowledge, no occurrence of c.4022-3dupC in individuals affected with ATP7B-related conditions and no experimental evidence demonstrating its impact on protein function have been reported. No submitters have cited clinical-significance assessments for this variant to ClinVar. Based on the evidence outlined above, the variant was classified as likely benign.

NM_000053.4(ATP7B):c.4022-3dup

Gene: ATP7B (ATPase copper transporting beta; minus strand). Cytogenetic location: 13q14.3.
Variant type: Duplication.
Coding change: c.4022-3dup on transcript NM_000053.4 (MANE Select); 3 bases into the intron before coding-DNA position 4022, one base duplicated (C; older notation c.4022-3dupC).
Molecular consequence: intron variant.
Genome position (GRCh38, 1-based): chr13:51,935,698, G duplicated on the plus strand (C on the coding strand, the reverse complement: ATP7B is on the minus strand); the first of 4 consecutive G bases (chr13:51,935,698-51,935,701); duplicating any one gives the same sequence. VCF-style (leftmost placement, unchanged base first): chr13-51935697-T-TG. GRCh37 (hg19) VCF-style: chr13-52509833-T-TG.
Other names: c.4022-3dupC (NM_000053.4); c.3536-3dup (NM_001406541.1, NM_001406542.1); c.3770-3dup (NM_001406531.1, NM_001406532.1, NM_001330579.2); c.3788-3dup (NM_001406527.1, NM_001406528.1, NM_001330578.2); c.3683-3dup (NM_001406537.1); c.3878-3dup (NM_001406521.1, NM_001406522.1, NM_001406520.1); c.4016-3dup (NM_001406513.1); c.4022-3dup (NM_001406511.1, NM_001406512.1); and 22 more.
Identifiers: ClinVar variation 4848284 (VCV004848284.1).